The following is an entry in ClinVar:

ClinVar aggregate classification (germline): Pathogenic (1 of 4 stars; one submission).

Conditions:
Medium-chain acyl-coenzyme A dehydrogenase deficiency (ACADMD). Also called: MCADH DEFICIENCY; MCADD; MCAD Deficiency; ACADM DEFICIENCY; CARNITINE DEFICIENCY SECONDARY TO MEDIUM-CHAIN ACYL-CoA DEHYDROGENASE DEFICIENCY; Medium chain acyl-CoA dehydrogenase deficiency. Identifiers: Orphanet 42, MedGen C0220710, MONDO:0008721, OMIM 201450.

Submission:

Labcorp Genetics (formerly Invitae), Labcorp
Classification: Pathogenic for Medium-chain acyl-coenzyme A dehydrogenase deficiency. Last evaluated: 2020-08-14. Review status: criteria provided, single submitter. Criteria: Invitae Variant Classification Sherloc (09022015). Collection method: clinical testing. Allele origin: germline.
Comment: This sequence change creates a premature translational stop signal (p.Gly265Valfs*2) in the ACADM gene. It is expected to result in an absent or disrupted protein product. This variant is not present in population databases (ExAC no frequency). This variant has not been reported in the literature in individuals with ACADM-related conditions. ClinVar contains an entry for this variant (Variation ID: 569821). Loss-of-function variants in ACADM are known to be pathogenic (PMID: 16121256, 20434380). For these reasons, this variant has been classified as Pathogenic.

Literature cited by the submitters: PubMed 16121256; PubMed 20434380.

NM_000016.6(ACADM):c.799_803del (p.Gly267fs)

Gene: ACADM (acyl-CoA dehydrogenase medium chain; plus strand). Cytogenetic location: 1p31.1.
Variant type: Deletion.
Coding change: c.799_803del on transcript NM_000016.6 (MANE Select); coding-DNA positions 799 to 803, 5 bases deleted (GGAGC; older notation c.799_803delGGAGC).
Protein change: p.Gly267fs; shifts the reading frame from glycine 267.
Molecular consequence: frameshift variant.
Genome position (GRCh38, 1-based): chr1:75,749,509-75,749,513, GGAGC deleted; deleting any 5 consecutive bases within chr1:75,749,508-75,749,513 gives the same sequence; the c. name uses the placement nearest the transcript's 3' end. VCF-style (leftmost placement, unchanged base first): chr1-75749507-ACGGAG-A. GRCh37 (hg19) VCF-style: chr1-76215192-ACGGAG-A.
Other names: c.811_815del, p.Gly271fs (NM_001127328.3); c.691_695del, p.Gly231fs (NM_001286042.2); c.898_902del, p.Gly300fs (NM_001286043.2); c.232_236del, p.Gly78fs (NM_001286044.2); short protein forms G231fs, G267fs, G271fs, G300fs, G78fs.
Identifiers: ClinVar variation 1070356 (VCV001070356.2), dbSNP rs2100417735, ClinGen allele CA2499214855.